The following is an entry in ClinVar:

ClinVar aggregate classification (germline): Benign/Likely benign. Review status: criteria provided, multiple submitters, no conflicts (2 of 4 stars). 4 submissions from 4 submitters: Benign (2); Likely benign (2). Last evaluated 2026-01-18.

Allele frequency attached by ClinVar (database versions not stated): gnomAD exomes 0.00099 and 0.00241; ExAC 0.00398; gnomAD 0.01089 and 0.01151; 1000 Genomes Project 0.01158; TOPMed 0.01203; 1000 Genomes Project 30x 0.01234.
gnomAD v4.1: 3,106 of 1,534,486 alleles (0.2%); highest among the groups gnomAD compares: African/African-American, 3.7%; 49 homozygotes.

Submissions (4):

Labcorp Genetics (formerly Invitae), Labcorp
Classification: Benign. Last evaluated: 2026-01-18. Review status: criteria provided, single submitter. Criteria: Invitae Variant Classification Sherloc (09022015). Collection method: clinical testing. Allele origin: germline.

Mayo Clinic Laboratories, Mayo Clinic
Classification: Likely benign. Last evaluated: 2025-11-04. Review status: criteria provided, single submitter. Criteria: ACMG Guidelines, 2015. Collection method: clinical testing. Allele origin: germline. Observed: 34 variant alleles.
Comment: BS2, BP4

ARUP Laboratories, Molecular Genetics and Genomics, ARUP Laboratories
Classification: Benign. Last evaluated: 2025-01-10. Review status: criteria provided, single submitter. Criteria: ARUP Molecular Germline Variant Investigation Process 2024. Collection method: clinical testing. Allele origin: germline.

Breakthrough Genomics
Classification: Likely benign. Review status: criteria provided, single submitter. Criteria: ACMG Guidelines, 2015. Collection method: not provided. Allele origin: germline. Inheritance: Autosomal recessive inheritance. Affected: yes.

NM_001142864.4(PIEZO1):c.263A>G (p.Asp88Gly)

Gene: PIEZO1 (piezo type mechanosensitive ion channel component 1 (Er blood group); minus strand). Cytogenetic location: 16q24.3.
Variant type: single nucleotide variant.
Coding change: c.263A>G on transcript NM_001142864.4 (MANE Select); coding-DNA position 263, A replaced by G.
Protein change: p.Asp88Gly; replaces aspartic acid 88 with glycine.
Molecular consequence: missense variant.
Genome position (GRCh38, 1-based): chr16:88,742,320, T>C on the plus strand (A>G on the coding strand, the complement: PIEZO1 is on the minus strand). VCF-style: chr16-88742320-T-C. GRCh37 (hg19) VCF-style: chr16-88808728-T-C.
Other names: p.Asp88Gly; short protein forms D88G.
Identifiers: ClinVar variation 777079 (VCV000777079.22), dbSNP rs141202337, ClinGen allele CA8233320.